The following is an entry in ClinVar:

ClinVar aggregate classification (germline): Likely benign. Review status: criteria provided, multiple submitters, no conflicts (2 of 4 stars). 3 submissions from 3 submitters: Likely benign (3). Last evaluated 2026-06-01.

Allele frequency attached by ClinVar (database versions not stated): gnomAD exomes 0.00003 and 0.00008; ExAC 0.00006; gnomAD 0.00017 and 0.00019; TOPMed 0.00018; 1000 Genomes Project 30x 0.00078; 1000 Genomes Project 0.00100.
gnomAD v4.1: 75 of 1,612,678 alleles (0.0047%); highest among the groups gnomAD compares: African/African-American, 0.072%; no homozygotes.

Submissions (3):

CeGaT Center for Human Genetics Tuebingen
Classification: Likely benign. Last evaluated: 2026-06-01. Review status: criteria provided, single submitter. Criteria: CeGaT Center For Human Genetics Tuebingen Variant Classification Criteria Version 2. Collection method: clinical testing. Allele origin: germline. Affected: yes. Observed: 2 variant alleles.
Comment: VARS2: BP4, BP7

Labcorp Genetics (formerly Invitae), Labcorp
Classification: Likely benign. Last evaluated: 2025-03-18. Review status: criteria provided, single submitter. Criteria: Invitae Variant Classification Sherloc (09022015). Collection method: clinical testing. Allele origin: germline.

GeneDx
Classification: Likely benign. Last evaluated: 2021-03-18. Review status: criteria provided, single submitter. Criteria: GeneDx Variant Classification Process June 2021. Collection method: clinical testing. Allele origin: germline. Affected: yes.

NM_020442.6(VARS2):c.2061C>T (p.Ser687=)

Genes: VARS2 (valyl-tRNA synthetase 2, mitochondrial; plus strand), LOC126859646 (MED14-independent group 3 enhancer GRCh37_chr6:30889690-30890889; plus strand). Cytogenetic location: 6p21.33.
Variant type: single nucleotide variant.
Coding change: c.2061C>T on transcript NM_020442.6 (MANE Select); coding-DNA position 2061, C replaced by T.
Protein change: p.Ser687=; no amino-acid change (serine 687 retained).
Molecular consequence: synonymous variant.
Genome position (GRCh38, 1-based): chr6:30,922,729, C>T. VCF-style: chr6-30922729-C-T. GRCh37 (hg19) VCF-style: chr6-30890506-C-T.
Other names: c.1641C>T, p.Ser547= (NM_001167733.3); c.2151C>T, p.Ser717= (NM_001167734.2).
Identifiers: ClinVar variation 1301025 (VCV001301025.36), dbSNP rs151230228, ClinGen allele CA3706149.
Genomic context (GRCh38, chr6:30,922,729, plus strand): 5'-TCGACCTGGGTCGTGAATTGCCCCCTTCCATCCCCAGGTGCTGCAGGAAAAGCTGAGAAG[C>T]GGAAATTTGGACCCTGCAGAGCTGGCCATTGTGGCTGCAGCACAGGTGAGTCATCGCTGC-3'
Protein context (NP_065175.4, residues 677-697): EMQVLQEKLR[Ser687=]GNLDPAELAI